The following is an entry in ClinVar:

Conditions:
Breast-ovarian cancer, familial, susceptibility to, 1 (BROVCA1). Also called: BRCA1 Hereditary Breast and Ovarian Cancer; OVARIAN CANCER, SUSCEPTIBILITY TO. Identifiers: Orphanet 145, MedGen C2676676, MONDO:0011450, OMIM 604370. Disease mechanism: loss of function.

Submission:

Brotman Baty Institute, University of Washington
No classification provided (evidence only). Condition: Breast-ovarian cancer, familial 1. Review status: no classification provided. Collection method: in vitro. Allele origin: not applicable. Functional consequence: functionally_normal.
ClinVar note: "not provided" was previously submitted as the classification for the variant. However, the classification appeared to be based only on an observation of functional data so it was converted to no classification on 2025-07-30.

NM_007294.4(BRCA1):c.5412C>G (p.Val1804=)

Gene: BRCA1 (BRCA1 DNA repair associated; minus strand). Cytogenetic location: 17q21.31.
Variant type: single nucleotide variant.
Coding change: c.5412C>G on transcript NM_007294.4 (MANE Select); coding-DNA position 5412, C replaced by G.
Protein change: p.Val1804=; no amino-acid change (valine 1804 retained).
Molecular consequence: synonymous variant. On other transcripts: missense variant (17).
Genome position (GRCh38, 1-based): chr17:43,047,698, G>C on the plus strand (C>G on the coding strand, the complement: BRCA1 is on the minus strand). VCF-style: chr17-43047698-G-C. GRCh37 (hg19) VCF-style: chr17-41199715-G-C.
Other names: c.5199C>G, p.Val1733= (NM_001407571.1, NM_001407897.1, NM_001407898.1 and 12 more transcripts); c.5478C>G, p.Val1826= (NM_001407581.1, NM_001407582.1); c.5475C>G, p.Val1825= (NM_001407583.1, NM_001407585.1, NM_001407587.1 and 1 more transcripts); c.5472C>G, p.Val1824= (NM_001407590.1, NM_001407591.1); c.5412C>G, p.Val1804= (NM_001407593.1, NM_001407594.1, NM_001407596.1 and 5 more transcripts); c.5409C>G, p.Val1803= (NM_001407610.1, NM_001407611.1, NM_001407612.1 and 14 more transcripts); c.5406C>G, p.Val1802= (NM_001407627.1, NM_001407628.1, NM_001407629.1 and 13 more transcripts); c.5403C>G, p.Val1801= (NM_001407644.1, NM_001407645.1); and 83 more; short protein forms P676A, P675A, P1738A, P1778A, P1780A, P1732A, P1739A, P1779A.
Identifiers: ClinVar variation 865473 (VCV000865473.3), dbSNP rs730881456, ClinGen allele CA10590639.